The following is an entry in ClinVar:

ClinVar aggregate classification (germline): Pathogenic (1 of 4 stars; one submission).

Submission:

Genetic Services Laboratory, University of Chicago
Classification: Pathogenic. Last evaluated: 2019-04-18. Review status: criteria provided, single submitter. Criteria: ACMG Guidelines, 2015. Collection method: clinical testing. Allele origin: germline. Affected: yes.
Comment: DNA sequence analysis of the HNF1A gene demonstrated a 11 base pair deletion in exon 1, c.107_117del. This pathogenic sequence change results in an amino acid frameshift and creates a premature stop codon 19 amino acids downstream of the mutation, p.Tyr36Trpfs*20. This pathogenic sequence change is predicted to result in an abnormal transcript, which may be degraded, or may lead to the production of a truncated HNF1A protein with potentially abnormal function.

NM_000545.8(HNF1A):c.107_117del (p.Tyr36fs)

Gene: HNF1A (HNF1 homeobox A; plus strand). Cytogenetic location: 12q24.31.
Variant type: Deletion.
Coding change: c.107_117del on transcript NM_000545.8 (MANE Select); coding-DNA positions 107 to 117, 11 bases deleted (ACCTCCTGGCT).
Protein change: p.Tyr36fs; shifts the reading frame from tyrosine 36.
Molecular consequence: frameshift variant.
Genome position (GRCh38, 1-based): chr12:120,978,875-120,978,885, ACCTCCTGGCT deleted; deleting any 11 consecutive bases within chr12:120,978,873-120,978,885 gives the same sequence; the c. name uses the placement nearest the transcript's 3' end. VCF-style (leftmost placement, unchanged base first): chr12-120978872-CCTACCTCCTGG-C. GRCh37 (hg19) VCF-style: chr12-121416675-CCTACCTCCTGG-C.
Other names: c.107_117del, p.Tyr36fs (NM_001306179.2); short protein forms Y36fs.
Identifiers: ClinVar variation 1338508 (VCV001338508.4), dbSNP rs2135819653, ClinGen allele CA2573053616.
Genomic context (GRCh38, chr12:120,978,872, plus strand): 5'-CCCTGCTCGAGTCAGGGCTGAGCAAAGAGGCACTGATCCAGGCACTGGGTGAGCCGGGGC[CCTACCTCCTGG>C]CTGGAGAAGGCCCCCTGGACAAGGGGGAGTCCTGCGGCGGCGGTCGAGGGGAGCTGGCTG-3'